The following is an entry in ClinVar:

ClinVar aggregate classification (germline): Uncertain significance (1 of 4 stars; one submission).

Conditions:
Primary ciliary dyskinesia 33. Also called: CILIARY DYSKINESIA, PRIMARY, 33, WITHOUT SITUS INVERSUS. Identifiers: Orphanet 244, MedGen C4225230, MONDO:0014750, OMIM 616726.

Allele frequency attached by ClinVar (database versions not stated): gnomAD 0.00004; TOPMed 0.00005; ExAC 0.00006; gnomAD exomes 0.00007 and 0.00008; ESP Exome Variant Server 0.00008.
gnomAD v4.1: 102 of 1,612,822 alleles (0.0063%); highest among the groups gnomAD compares: Non-Finnish European, 0.0081%; no homozygotes.

Submission:

Labcorp Genetics (formerly Invitae), Labcorp
Classification: Uncertain significance for Primary ciliary dyskinesia 33. Last evaluated: 2022-06-27. Review status: criteria provided, single submitter. Criteria: Invitae Variant Classification Sherloc (09022015). Collection method: clinical testing. Allele origin: germline.
Comment: This sequence change replaces arginine, which is basic and polar, with glutamine, which is neutral and polar, at codon 164 of the GAS8 protein (p.Arg164Gln). This variant is present in population databases (rs141287302, gnomAD 0.02%). This variant has not been reported in the literature in individuals affected with GAS8-related conditions. Algorithms developed to predict the effect of missense changes on protein structure and function (SIFT, PolyPhen-2, Align-GVGD) all suggest that this variant is likely to be tolerated. In summary, the available evidence is currently insufficient to determine the role of this variant in disease. Therefore, it has been classified as a Variant of Uncertain Significance.

NM_001481.3(DRC4):c.491G>A (p.Arg164Gln)

Gene: DRC4 (dynein regulatory complex subunit 4; plus strand). Cytogenetic location: 16q24.3.
Variant type: single nucleotide variant.
Coding change: c.491G>A on transcript NM_001481.3 (MANE Select); coding-DNA position 491, G replaced by A.
Protein change: p.Arg164Gln; replaces arginine 164 with glutamine.
Molecular consequence: missense variant. On other transcripts: 5 prime UTR variant (1).
Genome position (GRCh38, 1-based): chr16:90,032,920, G>A. VCF-style: chr16-90032920-G-A. GRCh37 (hg19) VCF-style: chr16-90099328-G-A.
Other names: c.242G>A, p.Arg81Gln (NM_001286205.2); c.-31G>A (NM_001286208.2); c.416G>A, p.Arg139Gln (NM_001286209.2); short protein forms R81Q, R139Q, R164Q.
Identifiers: ClinVar variation 1413680 (VCV001413680.3), dbSNP rs141287302, ClinGen allele CA8257811.